The following is an entry in ClinVar:

NM_001276270.2(MBD4):c.890G>C (p.Gly297Ala)

Gene: MBD4 (methyl-CpG binding domain 4, DNA glycosylase; minus strand). Cytogenetic location: 3q21.3.
Variant type: single nucleotide variant.
Coding change: c.890G>C on transcript NM_001276270.2 (MANE Select); coding-DNA position 890, G replaced by C.
Protein change: p.Gly297Ala; replaces glycine 297 with alanine.
Molecular consequence: missense variant. On other transcripts: intron variant (1).
Genome position (GRCh38, 1-based): chr3:129,436,754, C>G on the plus strand (G>C on the coding strand, the complement: MBD4 is on the minus strand). VCF-style: chr3-129436754-C-G. GRCh37 (hg19) VCF-style: chr3-129155597-C-G.
Other names: c.890G>C, p.Gly297Ala (NM_001276271.2, NM_001276272.2, NM_003925.3); c.247+1054G>C (NM_001276273.2); short protein forms G297A.
Identifiers: ClinVar variation 2868103 (VCV002868103.4), dbSNP rs747720474, ClinGen allele CA2605450.
Genomic context (GRCh38, chr3:129,436,754, plus strand): 5'-AATGATCTTTCTTTTTTTTTTACAAGGCTGTTTTCTTCACTGGTCACACTGAGGGTCTCA[C>G]CACATGCTCCAGCATCAGAAATGCAGACAGTTCTATCAAGCTGACTTTTTTGTGCAACAG-3'
Protein context (NP_001263199.1, residues 287-307): TVCISDAGAC[Gly297Ala]ETLSVTSEEN

ClinVar aggregate classification (germline): Uncertain significance. Review status: criteria provided, multiple submitters, no conflicts (2 of 4 stars). 2 submissions from 2 submitters: Uncertain significance (2). Last evaluated 2025-09-22.

Conditions:
Inborn genetic diseases. Identifiers: MedGen C0950123, MeSH D030342.

Allele frequency attached by ClinVar (database versions not stated): TOPMed 0.00004; ExAC 0.00001.
gnomAD v4.1: 4 of 1,614,068 alleles (0.00025%); highest among the groups gnomAD compares: African/African-American, 0.0013%; no homozygotes.

Submissions (2):

Labcorp Genetics (formerly Invitae), Labcorp
Classification: Uncertain significance. Last evaluated: 2025-09-22. Review status: criteria provided, single submitter. Criteria: Invitae Variant Classification Sherloc (09022015). Collection method: clinical testing. Allele origin: germline.
Comment: This sequence change replaces glycine, which is neutral and non-polar, with alanine, which is neutral and non-polar, at codon 297 of the MBD4 protein (p.Gly297Ala). This variant is present in population databases (rs747720474, gnomAD 0.007%). This variant has not been reported in the literature in individuals affected with MBD4-related conditions. ClinVar contains an entry for this variant (Variation ID: 2868103). An algorithm developed to predict the effect of missense changes on protein structure and function (PolyPhen-2) suggests that this variant is likely to be tolerated. In summary, the available evidence is currently insufficient to determine the role of this variant in disease. Therefore, it has been classified as a Variant of Uncertain Significance.

Ambry Genetics
Classification: Uncertain significance for Inborn genetic diseases. Last evaluated: 2024-12-29. Review status: criteria provided, single submitter. Criteria: Ambry Variant Classification Scheme 2023. Collection method: clinical testing. Allele origin: germline.
Comment: The p.G297A variant (also known as c.890G>C), located in coding exon 3 of the MBD4 gene, results from a G to C substitution at nucleotide position 890. The glycine at codon 297 is replaced by alanine, an amino acid with similar properties. This amino acid position is conserved. In addition, this alteration is predicted to be tolerated by in silico analysis. Based on the available evidence, the clinical significance of this variant remains unclear.